The following is an entry in ClinVar:

NM_001165963.4(SCN1A):c.4005G>A (p.Val1335=)

Genes: SCN1A (sodium voltage-gated channel alpha subunit 1; minus strand), LOC102724058 (uncharacterized LOC102724058; plus strand). Cytogenetic location: 2q24.3.
Variant type: single nucleotide variant.
Coding change: c.4005G>A on transcript NM_001165963.4 (MANE Select); coding-DNA position 4005, G replaced by A.
Protein change: p.Val1335=; no amino-acid change (valine 1335 retained).
Molecular consequence: synonymous variant. On other transcripts: non-coding transcript variant (1).
Genome position (GRCh38, 1-based): chr2:166,002,751, C>T on the plus strand (G>A on the coding strand, the complement: SCN1A is on the minus strand). VCF-style: chr2-166002751-C-T. GRCh37 (hg19) VCF-style: chr2-166859261-C-T.
Other names: c.3921G>A, p.Val1307= (NM_001165964.3, NM_001353957.2, NM_001353958.2); c.4005G>A, p.Val1335= (NM_001202435.3, NM_001353948.2); c.3972G>A, p.Val1324= (NM_001353949.2, NM_001353950.2, NM_001353951.2 and 2 more transcripts); c.3969G>A, p.Val1323= (NM_001353954.2, NM_001353955.2); c.3918G>A, p.Val1306= (NM_001353960.2); c.1563G>A, p.Val521= (NM_001353961.2).
Identifiers: ClinVar variation 2043300 (VCV002043300.12), dbSNP rs1454723706, ClinGen allele CA429893694.

ClinVar aggregate classification (germline): Conflicting classifications of pathogenicity. Review status: criteria provided, conflicting classifications (1 of 4 stars). 2 submissions from 2 submitters: Uncertain significance (1); Likely benign (1). Last evaluated 2025-10-01.

Conditions:
Early-infantile DEE. Also called: Early infantile epileptic encephalopathy; Early infantile epileptic encephalopathy with suppression bursts; Ohtahara syndrome. Identifiers: Orphanet 1934, MedGen C0393706, MONDO:0800491.

Submissions (2):

Labcorp Genetics (formerly Invitae), Labcorp
Classification: Likely benign for Early-infantile DEE. Last evaluated: 2025-10-01. Review status: criteria provided, single submitter. Criteria: Invitae Variant Classification Sherloc (09022015). Collection method: clinical testing. Allele origin: germline.

CeGaT Center for Human Genetics Tuebingen
Classification: Uncertain significance. Last evaluated: 2025-07-01. Review status: criteria provided, single submitter. Criteria: CeGaT Center For Human Genetics Tuebingen Variant Classification Criteria Version 2. Collection method: clinical testing. Allele origin: germline. Affected: yes. Observed: 1 variant allele.
Comment: SCN1A: PM2, BP4